The following is an entry in ClinVar:

NM_006015.6(ARID1A):c.5351del (p.Asn1784fs)

Gene: ARID1A (AT-rich interaction domain 1A; plus strand). Cytogenetic location: 1p36.11.
Variant type: Deletion.
Coding change: c.5351del on transcript NM_006015.6 (MANE Select); coding-DNA position 5351, one base deleted (A; older notation c.5351delA).
Protein change: p.Asn1784fs; shifts the reading frame from asparagine 1784.
Molecular consequence: frameshift variant.
Genome position (GRCh38, 1-based): chr1:26,779,249, A deleted; the last of 4 consecutive A bases (chr1:26,779,246-26,779,249); deleting any one gives the same sequence. VCF-style (leftmost placement, unchanged base first): chr1-26779245-GA-G. GRCh37 (hg19) VCF-style: chr1-27105736-GA-G.
Other names: c.5351del (LRG_875t1); c.4700del, p.Asn1567fs (NM_139135.4); short protein forms N1567fs, N1784fs.
Identifiers: ClinVar variation 419853 (VCV000419853.2), dbSNP rs1064794151, ClinGen allele CA16617134.

ClinVar aggregate classification (germline): Pathogenic (1 of 4 stars; one submission).

Submission:

GeneDx
Classification: Pathogenic. Last evaluated: 2015-09-18. Review status: criteria provided, single submitter. Criteria: GeneDx Variant Classification (06012015). Collection method: clinical testing. Allele origin: germline. Affected: yes.
Comment: The c.5351delA deletion in the ARID1A gene has not been reported previously as a pathogenic variantnor as a benign variant, to our knowledge. The c.5351delA variant causes a frameshift starting with codon Asparagine 1784, changes this amino acid to a Methionine residue, and creates a premature Stop codon at position 5 of the new reading frame, denoted p.Asn1784MetfsX5. This deletion is predicted to cause loss of normal protein function through protein truncation and replaces the last typical 502 amino acids with four incorrect amino acids. The c.5351delA variant was not observed in approximately 6,500 individuals of European and African American ancestry in the NHLBI Exome Sequencing Project, indicating it is not a common benign variant in these populations. We interpret c.5351delA as a pathogenic variant.